The following is an entry in ClinVar:

NM_001283009.2(RTEL1):c.2191C>T (p.His731Tyr)

Genes: RTEL1-TNFRSF6B (RTEL1-TNFRSF6B readthrough (NMD candidate); plus strand), RTEL1 (regulator of telomere elongation helicase 1; plus strand). Cytogenetic location: 20q13.33.
Variant type: single nucleotide variant.
Coding change: c.2191C>T on transcript NM_001283009.2 (MANE Select); coding-DNA position 2191, C replaced by T.
Protein change: p.His731Tyr; replaces histidine 731 with tyrosine.
Molecular consequence: missense variant. On other transcripts: non-coding transcript variant (1).
Genome position (GRCh38, 1-based): chr20:63,690,136, C>T. VCF-style: chr20-63690136-C-T. GRCh37 (hg19) VCF-style: chr20-62321489-C-T.
Other names: c.2263C>T (NM_032957.4); c.1522C>T, p.His508Tyr (NM_001283010.1); c.2191C>T, p.His731Tyr (NM_016434.4); c.2263C>T, p.His755Tyr (NM_032957.5); short protein forms H508Y, H731Y, H755Y.
Identifiers: ClinVar variation 968005 (VCV000968005.8), dbSNP rs149063501, ClinGen allele CA9965223.
Genomic context (GRCh38, chr20:63,690,136, plus strand): 5'-CCACCCCCCAGGTTCGCCTTTGCCGACGCAAGAGCCCAACTGCCCTCCTGGGTGCGTCCC[C>T]ACGTCAGGGTGTATGACAACTTTGGCCATGTCATCCGAGACGTGGCCCAGTTCTTCCGTG-3'
Protein context (NP_001269938.1, residues 721-741): RAQLPSWVRP[His731Tyr]VRVYDNFGHV

ClinVar aggregate classification (germline): Conflicting classifications of pathogenicity. Review status: criteria provided, conflicting classifications (1 of 4 stars). 4 submissions from 4 submitters: Uncertain significance (2); Likely benign (1). 1 of the submissions does not count toward it. Last evaluated 2025-08-10.

Conditions:
Inborn genetic diseases. Identifiers: MedGen C0950123, MeSH D030342.
Dyskeratosis congenita, autosomal recessive 5 (DKCB5). Identifiers: MedGen C3554656, MONDO:0014076, OMIM 615190.
Pulmonary fibrosis and/or bone marrow failure, Telomere-related, 3. Also called: PULMONARY FIBROSIS AND/OR BONE MARROW FAILURE SYNDROME, TELOMERE-RELATED, 3. Identifiers: Orphanet 2032, MedGen C4225346, MONDO:0014613, OMIM 616373.
Dyskeratosis congenita. Identifiers: Orphanet 1775, MedGen C0265965, MONDO:0015780.

Allele frequency attached by ClinVar (database versions not stated): ExAC 0.00002; gnomAD exomes 0.00002 and 0.00010; TOPMed 0.00003; gnomAD 0.00004; ESP Exome Variant Server 0.00015.
gnomAD v4.1: 142 of 1,612,346 alleles (0.0088%); highest among the groups gnomAD compares: Non-Finnish European, 0.012%; no homozygotes.

Submissions (4):

Labcorp Genetics (formerly Invitae), Labcorp
Classification: Uncertain significance for Dyskeratosis congenita, autosomal recessive 5; Pulmonary fibrosis and/or bone marrow failure, Telomere-related, 3. Last evaluated: 2025-08-10. Review status: criteria provided, single submitter. Criteria: Invitae Variant Classification Sherloc (09022015). Collection method: clinical testing. Allele origin: germline.
Comment: This sequence change replaces histidine, which is basic and polar, with tyrosine, which is neutral and polar, at codon 731 of the RTEL1 protein (p.His731Tyr). This variant is present in population databases (rs149063501, gnomAD 0.006%). This variant has not been reported in the literature in individuals affected with RTEL1-related conditions. ClinVar contains an entry for this variant (Variation ID: 968005). An algorithm developed to predict the effect of missense changes on protein structure and function outputs the following: PolyPhen-2: "Benign". The tyrosine amino acid residue is found in multiple mammalian species, which suggests that this missense change does not adversely affect protein function. In summary, the available evidence is currently insufficient to determine the role of this variant in disease. Therefore, it has been classified as a Variant of Uncertain Significance.

Ambry Genetics
Classification: Likely benign for Inborn genetic diseases. Last evaluated: 2024-12-08. Review status: criteria provided, single submitter. Criteria: Ambry Variant Classification Scheme 2023. Collection method: clinical testing. Allele origin: germline.

GeneDx
Classification: Uncertain significance. Last evaluated: 2024-04-01. Review status: criteria provided, single submitter. Criteria: GeneDx Variant Classification Process June 2021. Collection method: clinical testing. Allele origin: germline. Affected: yes.
Comment: In silico analysis supports that this missense variant does not alter protein structure/function; Has not been previously published as pathogenic or benign to our knowledge

Natera, Inc.
Classification: Uncertain significance for Dyskeratosis congenita. Last evaluated: 2020-07-08. Review status: no assertion criteria provided. Collection method: clinical testing. Allele origin: germline. Not counted in ClinVar's aggregate classification.